The following is an entry in ClinVar:

ClinVar aggregate classification (germline): Uncertain significance (1 of 4 stars; one submission).

Submission:

GeneDx
Classification: Uncertain significance. Last evaluated: 2023-12-13. Review status: criteria provided, single submitter. Criteria: GeneDx Variant Classification Process June 2021. Collection method: clinical testing. Allele origin: germline. Affected: yes.
Comment: Not observed at significant frequency in large population cohorts (gnomAD); In silico analysis supports that this missense variant has a deleterious effect on protein structure/function; Has not been previously published as pathogenic or benign to our knowledge

NM_001378183.1(PIEZO2):c.895C>A (p.Pro299Thr)

Gene: PIEZO2 (piezo type mechanosensitive ion channel component 2; minus strand). Cytogenetic location: 18p11.22.
Variant type: single nucleotide variant.
Coding change: c.895C>A on transcript NM_001378183.1 (MANE Select); coding-DNA position 895, C replaced by A.
Protein change: p.Pro299Thr; replaces proline 299 with threonine.
Molecular consequence: missense variant.
Genome position (GRCh38, 1-based): chr18:10,855,375, G>T on the plus strand (C>A on the coding strand, the complement: PIEZO2 is on the minus strand). VCF-style: chr18-10855375-G-T. GRCh37 (hg19) VCF-style: chr18-10855373-G-T.
Other names: c.895C>A, p.Pro299Thr (NM_001410871.1, NM_022068.4); short protein forms P299T.
Identifiers: ClinVar variation 3365615 (VCV003365615.1).